The following is an entry in ClinVar:

NM_198722.3(AMIGO3):c.780C>T (p.Arg260=)

Genes: AMIGO3 (adhesion molecule with Ig like domain 3; minus strand), RNF123 (ring finger protein 123; plus strand). Cytogenetic location: 3p21.31.
Variant type: single nucleotide variant.
Coding change: c.780C>T on transcript NM_198722.3 (MANE Select); coding-DNA position 780, C replaced by T.
Protein change: p.Arg260=; no amino-acid change (arginine 260 retained).
Molecular consequence: synonymous variant. On other transcripts: intron variant (1).
Genome position (GRCh38, 1-based): chr3:49,718,686, G>A on the plus strand (C>T on the coding strand, the complement: AMIGO3 is on the minus strand). VCF-style: chr3-49718686-G-A. GRCh37 (hg19) VCF-style: chr3-49756119-G-A.
Other names: c.3501-1825G>A (NM_022064.5).
Identifiers: ClinVar variation 4822769 (VCV004822769.4).

ClinVar aggregate classification (germline): Likely benign (1 of 4 stars; one submission).

gnomAD v4.1: 1 of 1,612,954 alleles (0.000062%); highest among the groups gnomAD compares: South Asian, 0.0011%; no homozygotes.

Submission:

CeGaT Center for Human Genetics Tuebingen
Classification: Likely benign. Last evaluated: 2026-01-01. Review status: criteria provided, single submitter. Criteria: CeGaT Center For Human Genetics Tuebingen Variant Classification Criteria Version 2. Collection method: clinical testing. Allele origin: germline. Affected: yes. Observed: 1 variant allele.
Comment: AMIGO3: BP4, BP7